The following is an entry in ClinVar:

ClinVar aggregate classification (germline): Conflicting classifications of pathogenicity. Review status: criteria provided, conflicting classifications (1 of 4 stars). 6 submissions from 6 submitters: Likely pathogenic (1); Uncertain significance (5). Last evaluated 2026-05-11.

Conditions:
LRP5-related disorder. Also called: LRP5-related condition.
Polycystic liver disease 4 with or without kidney cysts. Identifiers: MedGen C4693479, MONDO:0044327, OMIM 617875.
Osteoporosis with pseudoglioma (OPPG). Also called: osteoporosis-pseudoglioma syndrome. Identifiers: Orphanet 2788, MedGen C0432252, MONDO:0009820, OMIM 259770.
Exudative vitreoretinopathy 4 (EVR4). Identifiers: Orphanet 891, MedGen C1866176, MONDO:0011151, OMIM 601813.
Autosomal dominant osteopetrosis 1 (OPTA1). Also called: OSTEOPETROSIS, AUTOSOMAL DOMINANT, TYPE I. Identifiers: Orphanet 2783, MedGen C1843330, MONDO:0011877, OMIM 607634.
Worth disease. Also called: ENDOSTEAL HYPEROSTOSIS, AUTOSOMAL DOMINANT; OSTEOSCLEROSIS, AUTOSOMAL DOMINANT; Autosomal dominant osteosclerosis, Worth type. Identifiers: Orphanet 2790, MedGen C0432273, MONDO:0007764, OMIM 144750.
Bone mineral density quantitative trait locus 1 (BMND1). Identifiers: MedGen C1866079, OMIM 601884.
Inborn genetic diseases. Identifiers: MedGen C0950123, MeSH D030342.

Allele frequency attached by ClinVar (database versions not stated): ExAC 0.00001; gnomAD 0.00001; gnomAD exomes 0.00002 and 0.00003; TOPMed 0.00002.
gnomAD v4.1: 52 of 1,613,800 alleles (0.0032%); highest among the groups gnomAD compares: South Asian, 0.0055%; no homozygotes.

Submissions (6):

PreventionGenetics, part of Exact Sciences
Classification: Uncertain significance for LRP5-related condition. Last evaluated: 2026-05-11. Review status: criteria provided, single submitter. Criteria: ACMG Guidelines, 2015. Collection method: clinical testing. Allele origin: germline.
Comment: The LRP5 c.3005G>A variant is predicted to result in the amino acid substitution p.Arg1002Gln. To our knowledge, this variant has not been reported in the literature. This variant is reported in 0.013% of alleles in individuals of South Asian descent in gnomAD. At this time, the clinical significance of this variant is uncertain due to the absence of conclusive functional and genetic evidence.

Labcorp Genetics (formerly Invitae), Labcorp
Classification: Uncertain significance. Last evaluated: 2026-01-07. Review status: criteria provided, single submitter. Criteria: Invitae Variant Classification Sherloc (09022015). Collection method: clinical testing. Allele origin: germline.
Comment: This sequence change replaces arginine, which is basic and polar, with glutamine, which is neutral and polar, at codon 1002 of the LRP5 protein (p.Arg1002Gln). This variant is present in population databases (rs779935967, gnomAD 0.01%). This variant has not been reported in the literature in individuals affected with LRP5-related conditions. ClinVar contains an entry for this variant (Variation ID: 870120). Invitae Evidence Modeling of protein sequence and biophysical properties (such as structural, functional, and spatial information, amino acid conservation, physicochemical variation, residue mobility, and thermodynamic stability) has been performed for this missense variant. However, the output from this modeling did not meet the statistical confidence thresholds required to predict the impact of this variant on LRP5 protein function. In summary, the available evidence is currently insufficient to determine the role of this variant in disease. Therefore, it has been classified as a Variant of Uncertain Significance.

Ambry Genetics
Classification: Uncertain significance for Inborn genetic diseases. Last evaluated: 2025-09-25. Review status: criteria provided, single submitter. Criteria: Ambry Variant Classification Scheme 2023. Collection method: clinical testing. Allele origin: germline.

Blueprint Genetics
Classification: Uncertain significance. Last evaluated: 2024-10-04. Review status: criteria provided, single submitter. Criteria: ACMG Guidelines, 2015. Collection method: clinical testing. Allele origin: germline.

Fulgent Genetics
Classification: Uncertain significance for Worth disease; Osteoporosis with pseudoglioma; Exudative vitreoretinopathy 4; Bone mineral density quantitative trait locus 1; Autosomal dominant osteopetrosis 1; Polycystic liver disease 4 with or without kidney cysts. Last evaluated: 2024-03-29. Review status: criteria provided, single submitter. Criteria: ACMG Guidelines, 2015. Collection method: clinical testing. Allele origin: germline.

Genetics Department, Polish Mother's Memorial Hospital Research Institute
Classification: Likely pathogenic for Osteoporosis with pseudoglioma. Last evaluated: 2020-04-06. Review status: criteria provided, single submitter. Criteria: ACMG Guidelines, 2015. Collection method: research. Allele origin: paternal. Affected: yes. Observed: 1 variant allele.

NM_002335.4(LRP5):c.3005G>A (p.Arg1002Gln)

Gene: LRP5 (LDL receptor related protein 5; plus strand). Cytogenetic location: 11q13.2.
Variant type: single nucleotide variant.
Coding change: c.3005G>A on transcript NM_002335.4 (MANE Select); coding-DNA position 3005, G replaced by A.
Protein change: p.Arg1002Gln; replaces arginine 1002 with glutamine.
Molecular consequence: missense variant.
Genome position (GRCh38, 1-based): chr11:68,416,505, G>A. VCF-style: chr11-68416505-G-A. GRCh37 (hg19) VCF-style: chr11-68183973-G-A.
Other names: c.1262G>A, p.Arg421Gln (NM_001291902.2); short protein forms R1002Q, R421Q.
Identifiers: ClinVar variation 870120 (VCV000870120.14), dbSNP rs779935967, ClinGen allele CA6149805.